The following is an entry in ClinVar:

NM_001283009.2(RTEL1):c.3291_3299del (p.1095VLA[1])

Genes: RTEL1 (regulator of telomere elongation helicase 1; plus strand), RTEL1-TNFRSF6B (RTEL1-TNFRSF6B readthrough (NMD candidate); plus strand). Cytogenetic location: 20q13.33.
Variant type: Deletion.
Coding change: c.3291_3299del on transcript NM_001283009.2 (MANE Select); coding-DNA positions 3291 to 3299, 9 bases deleted (TGTGTTGGC; older notation c.3291_3299delTGTGTTGGC).
Protein change: p.1095VLA[1].
Molecular consequence: inframe deletion. On other transcripts: non-coding transcript variant (1).
Genome position (GRCh38, 1-based): chr20:63,694,922-63,694,930, TGTGTTGGC deleted; deleting any 9 consecutive bases within chr20:63,694,918-63,694,930 gives the same sequence; the c. name uses the placement nearest the transcript's 3' end. VCF-style (leftmost placement, unchanged base first): chr20-63694917-CTGGCTGTGT-C. GRCh37 (hg19) VCF-style: chr20-62326270-CTGGCTGTGT-C.
Other names: c.2622_2630del, p.872VLA[1] (NM_001283010.1); c.3291_3299del, p.1095VLA[1] (NM_016434.4); c.3363_3371del, p.1119VLA[1] (NM_032957.5).
Identifiers: ClinVar variation 3749296 (VCV003749296.2).

ClinVar aggregate classification (germline): Uncertain significance (1 of 4 stars; one submission).

Conditions:
Pulmonary fibrosis and/or bone marrow failure, Telomere-related, 3. Also called: PULMONARY FIBROSIS AND/OR BONE MARROW FAILURE SYNDROME, TELOMERE-RELATED, 3. Identifiers: Orphanet 2032, MedGen C4225346, MONDO:0014613, OMIM 616373.
Dyskeratosis congenita, autosomal recessive 5 (DKCB5). Identifiers: MedGen C3554656, MONDO:0014076, OMIM 615190.

Submission:

Labcorp Genetics (formerly Invitae), Labcorp
Classification: Uncertain significance for Dyskeratosis congenita, autosomal recessive 5; Pulmonary fibrosis and/or bone marrow failure, Telomere-related, 3. Last evaluated: 2024-03-30. Review status: criteria provided, single submitter. Criteria: Invitae Variant Classification Sherloc (09022015). Collection method: clinical testing. Allele origin: germline.
Comment: This variant, c.3291_3299del, results in the deletion of 3 amino acid(s) of the RTEL1 protein (p.Val1098_Ala1100del), but otherwise preserves the integrity of the reading frame. This variant is not present in population databases (gnomAD no frequency). This variant has not been reported in the literature in individuals affected with RTEL1-related conditions. Experimental studies and prediction algorithms are not available or were not evaluated, and the functional significance of this variant is currently unknown. In summary, the available evidence is currently insufficient to determine the role of this variant in disease. Therefore, it has been classified as a Variant of Uncertain Significance.